The following is an entry in ClinVar:

ClinVar aggregate classification (germline): Uncertain significance. Review status: criteria provided, multiple submitters, no conflicts (2 of 4 stars). 4 submissions from 4 submitters: Uncertain significance (4). Last evaluated 2026-05-02.

Conditions:
Inborn genetic diseases. Identifiers: MedGen C0950123, MeSH D030342.
Knobloch syndrome (KNO). Also called: RETINAL DETACHMENT AND OCCIPITAL ENCEPHALOCELE; Myopia retinal detachment encephalocele. Identifiers: Orphanet 1571, MedGen C1849409, MONDO:0800166.

Allele frequency attached by ClinVar (database versions not stated): gnomAD exomes 0.00007; ExAC 0.00019; 1000 Genomes Project 0.00020; TOPMed 0.00029; 1000 Genomes Project 30x 0.00031; ESP Exome Variant Server 0.00035.
gnomAD v4.1: 70 of 1,549,220 alleles (0.0045%); highest among the groups gnomAD compares: African/African-American, 0.048%; 1 homozygote.

Submissions (4):

GeneDx
Classification: Uncertain significance. Last evaluated: 2026-05-02. Review status: criteria provided, single submitter. Criteria: GeneDx Variant Classification Process June 2021. Collection method: clinical testing. Allele origin: germline.
Comment: In silico analysis suggests that this missense variant does not alter protein structure/function; Has not been previously published as pathogenic or benign to our knowledge

Labcorp Genetics (formerly Invitae), Labcorp
Classification: Uncertain significance. Last evaluated: 2026-02-02. Review status: criteria provided, single submitter. Criteria: Invitae Variant Classification Sherloc (09022015). Collection method: clinical testing. Allele origin: germline.
Comment: This sequence change replaces arginine, which is basic and polar, with tryptophan, which is neutral and slightly polar, at codon 353 of the COL18A1 protein (p.Arg353Trp). This variant is present in population databases (rs369114408, gnomAD 0.07%). This variant has not been reported in the literature in individuals affected with COL18A1-related conditions. ClinVar contains an entry for this variant (Variation ID: 898133). Experimental studies and prediction algorithms are not available or were not evaluated, and the functional significance of this variant is currently unknown. In summary, the available evidence is currently insufficient to determine the role of this variant in disease. Therefore, it has been classified as a Variant of Uncertain Significance.

Ambry Genetics
Classification: Uncertain significance for Inborn genetic diseases. Last evaluated: 2024-11-25. Review status: criteria provided, single submitter. Criteria: Ambry Variant Classification Scheme 2023. Collection method: clinical testing. Allele origin: germline.

Illumina Laboratory Services, Illumina
Classification: Uncertain significance for Knobloch syndrome 1. Last evaluated: 2018-01-13. Review status: criteria provided, single submitter. Criteria: ICSL Variant Classification Criteria 13 December 2019. Collection method: clinical testing. Allele origin: germline.

NM_001379500.1(COL18A1):c.1057C>T (p.Arg353Trp)

Gene: COL18A1 (collagen type XVIII alpha 1 chain; plus strand). Cytogenetic location: 21q22.3.
Variant type: single nucleotide variant.
Coding change: c.1057C>T on transcript NM_001379500.1 (MANE Select); coding-DNA position 1057, C replaced by T.
Protein change: p.Arg353Trp; replaces arginine 353 with tryptophan.
Molecular consequence: missense variant.
Genome position (GRCh38, 1-based): chr21:45,477,801, C>T. VCF-style: chr21-45477801-C-T. GRCh37 (hg19) VCF-style: chr21-46897715-C-T.
Other names: NM_130445.2:c.1057C>T; c.1597C>T, p.Arg533Trp (NM_030582.4); c.2302C>T, p.Arg768Trp (NM_130444.3); short protein forms R533W, R768W, R353W.
Identifiers: ClinVar variation 898133 (VCV000898133.11), dbSNP rs369114408, ClinGen allele CA10066066.